The following is an entry in ClinVar:

NM_001085458.2(CTNND1):c.1878T>G (p.Asp626Glu)

Genes: CTNND1 (catenin delta 1; plus strand), TMX2-CTNND1 (TMX2-CTNND1 readthrough (NMD candidate); plus strand). Cytogenetic location: 11q12.1.
Variant type: single nucleotide variant.
Coding change: c.1878T>G on transcript NM_001085458.2 (MANE Select); coding-DNA position 1878, T replaced by G.
Protein change: p.Asp626Glu; replaces aspartic acid 626 with glutamic acid.
Molecular consequence: missense variant. On other transcripts: intron variant (16), non-coding transcript variant (1).
Genome position (GRCh38, 1-based): chr11:57,806,462, T>G. VCF-style: chr11-57806462-T-G. GRCh37 (hg19) VCF-style: chr11-57573934-T-G.
Other names: c.1714+427T>G (NM_001206886.2, NM_001206888.2, NM_001206887.2 and 2 more transcripts); c.1573+427T>G (NM_001085464.2, NM_001085468.2, NM_001085465.2 and 3 more transcripts); c.1575T>G, p.Asp525Glu (NM_001085466.2, NM_001085463.2); c.1716T>G, p.Asp572Glu (NM_001206883.2, NM_001206884.2); c.1878T>G, p.Asp626Glu (NM_001206885.2); c.1876+427T>G (NM_001085459.2, NM_001085461.2, NM_001331.3 and 2 more transcripts); short protein forms D525E, D626E, D572E.
Identifiers: ClinVar variation 2549134 (VCV002549134.8), dbSNP rs200943999, ClinGen allele CA6010529.

ClinVar aggregate classification (germline): Conflicting classifications of pathogenicity. Review status: criteria provided, conflicting classifications (1 of 4 stars). 3 submissions from 3 submitters: Uncertain significance (1); Likely benign (2). Last evaluated 2026-06-01.

Conditions:
Inborn genetic diseases. Identifiers: MedGen C0950123, MeSH D030342.

Allele frequency attached by ClinVar (database versions not stated): TOPMed 0.00005; gnomAD 0.00011; 1000 Genomes Project 30x 0.00031; ExAC 0.00037; 1000 Genomes Project 0.00040.
gnomAD v4.1: 173 of 1,603,218 alleles (0.011%); highest among the groups gnomAD compares: South Asian, 0.041%; 1 homozygote.

Submissions (3):

CeGaT Center for Human Genetics Tuebingen
Classification: Likely benign. Last evaluated: 2026-06-01. Review status: criteria provided, single submitter. Criteria: CeGaT Center For Human Genetics Tuebingen Variant Classification Criteria Version 2. Collection method: clinical testing. Allele origin: germline. Affected: yes. Observed: 2 variant alleles.
Comment: CTNND1: BS1

Ambry Genetics
Classification: Uncertain significance for Inborn genetic diseases. Last evaluated: 2026-04-20. Review status: criteria provided, single submitter. Criteria: Ambry Variant Classification Scheme 2023. Collection method: clinical testing. Allele origin: germline.

Laboratory of Genetics, Children's Clinical University Hospital Latvia
Classification: Likely benign. Last evaluated: 2025-02-16. Review status: criteria provided, single submitter. Criteria: ACMG Guidelines, 2015. Collection method: clinical testing. Allele origin: germline. Affected: yes.